The following is an entry in ClinVar:

NM_000051.4(ATM):c.680C>T (p.Ser227Leu)

Gene: ATM (ATM serine/threonine kinase; plus strand). Cytogenetic location: 11q22.3.
Variant type: single nucleotide variant.
Coding change: c.680C>T on transcript NM_000051.4 (MANE Select); coding-DNA position 680, C replaced by T.
Protein change: p.Ser227Leu; replaces serine 227 with leucine.
Molecular consequence: missense variant.
Genome position (GRCh38, 1-based): chr11:108,244,805, C>T. VCF-style: chr11-108244805-C-T. GRCh37 (hg19) VCF-style: chr11-108115532-C-T.
Other names: c.680C>T, p.Ser227Leu (NM_001351834.2); short protein forms S227L.
Identifiers: ClinVar variation 485170 (VCV000485170.31), dbSNP rs762998620, ClinGen allele CA6264666.

ClinVar aggregate classification (germline): Conflicting classifications of pathogenicity. Review status: criteria provided, conflicting classifications (1 of 4 stars). 10 submissions from 10 submitters: Pathogenic (1); Likely pathogenic (2); Uncertain significance (7). Last evaluated 2026-06-16.

Conditions:
Familial cancer of breast. Also called: hereditary breast carcinoma; Hereditary breast cancer; BREAST CANCER, FAMILIAL. Identifiers: Orphanet 227535, MedGen C0346153, MONDO:0016419, OMIM 114480. Disease mechanism: loss of function.
Ataxia-telangiectasia syndrome (AT). Also called: Ataxia-telangiectasia, complementation group D; AT, COMPLEMENTATION GROUP C; LOUIS-BAR SYNDROME; Ataxia-telangiectasia, complementation group E; Cerebello-oculocutaneous telangiectasia; Immunodeficiency with ataxia telangiectasia. Identifiers: Orphanet 100, MedGen C0004135, MONDO:0008840, OMIM 208900.
Hereditary cancer-predisposing syndrome. Also called: Neoplastic Syndromes, Hereditary; Hereditary neoplastic syndrome; Hereditary Cancer Syndrome; Tumor predisposition. Identifiers: Orphanet 140162, MedGen C0027672, MeSH D009386, MONDO:0015356.

Allele frequency attached by ClinVar (database versions not stated): gnomAD exomes below 0.00001; ExAC 0.00001; gnomAD 0.00001; TOPMed 0.00002.

Submissions (10):

Ambry Genetics
Classification: Uncertain significance for Hereditary cancer-predisposing syndrome. Last evaluated: 2026-06-16. Review status: criteria provided, single submitter. Criteria: Ambry Variant Classification Scheme 2023. Collection method: clinical testing. Allele origin: germline.
Comment: The p.S227L variant (also known as c.680C>T), located in coding exon 6 of the ATM gene, results from a C to T substitution at nucleotide position 680. This nucleotide position is well conserved in available vertebrate species. In silico splice site analysis for this alteration is inconclusive. RNA studies have demonstrated that this variant results in an incomplete splice defect; the clinical impact of this abnormal splicing is unknown at this time (Ambry internal data). This amino acid position is poorly conserved in available vertebrate species. In addition, this alteration is predicted to be tolerated by in silico analysis. In an assay testing ATM function, this variant showed a functionally normal result (Lee KS et al. Cell, 2025 Sep;188:5081-5099.e27). Based on the available evidence, the clinical significance of this variant remains unclear.

Labcorp Genetics (formerly Invitae), Labcorp
Classification: Pathogenic for Ataxia-telangiectasia syndrome. Last evaluated: 2026-01-02. Review status: criteria provided, single submitter. Criteria: Invitae Variant Classification Sherloc (09022015). Collection method: clinical testing. Allele origin: germline.
Comment: This sequence change replaces serine, which is neutral and polar, with leucine, which is neutral and non-polar, at codon 227 of the ATM protein (p.Ser227Leu). RNA analysis indicates that this missense change induces altered splicing and may result in an absent or altered protein product. This variant is present in population databases (rs762998620, gnomAD 0.007%). This missense change has been observed in individual(s) with a personal and/or family history of breast and ovarian cancer, or prostate cancer (PMID: 31159747, 33436325). ClinVar contains an entry for this variant (Variation ID: 485170). Invitae Evidence Modeling of protein sequence and biophysical properties (such as structural, functional, and spatial information, amino acid conservation, physicochemical variation, residue mobility, and thermodynamic stability) indicates that this missense variant is not expected to disrupt ATM protein function with a negative predictive value of 95%. Studies have shown that this missense change results in skipping of exon 7, and produces a non-functional protein and/or introduces a premature termination codon (internal data). For these reasons, this variant has been classified as Pathogenic.

GeneDx
Classification: Likely pathogenic. Last evaluated: 2025-03-06. Review status: criteria provided, single submitter. Criteria: GeneDx Variant Classification Process June 2021. Collection method: clinical testing. Allele origin: germline. Affected: yes.
Comment: RNA studies demonstrate a damaging effect: aberrant splicing leading to out-of-frame exon skipping, resulting in protein truncation or nonsense mediated decay in a gene for which loss-of-function is a known mechanism of disease (External communication with an outside laboratory); Observed in individuals with prostate cancer, glioblastoma, or premature ovarian insuffiency (PMID: 33436325, 26689913, 38649916); In silico analysis indicates that this missense variant does not alter protein structure/function; Not observed at significant frequency in large population cohorts (gnomAD); This variant is associated with the following publications: (PMID: 38649916, 31159747, 26689913, 33436325)

Center for Genomic Medicine, Rigshospitalet, Copenhagen University Hospital
Classification: Uncertain significance. Last evaluated: 2025-03-04. Review status: criteria provided, single submitter. Criteria: ACMG Guidelines, 2015. Collection method: clinical testing. Allele origin: germline.

Myriad Genetics, Inc.
Classification: Likely pathogenic for Familial cancer of breast. Last evaluated: 2025-02-18. Review status: criteria provided, single submitter. Criteria: Myriad Autosomal Dominant, Autosomal Recessive and X-Linked Classification Criteria (2023). Collection method: clinical testing. Allele origin: unknown.
Comment: This variant is considered likely pathogenic. mRNA analysis has demonstrated abnormal mRNA splicing occurs [Myriad internal data].

KCCC/NGS Laboratory, Kuwait Cancer Control Center
Classification: Uncertain significance for Familial cancer of breast. Last evaluated: 2024-11-03. Review status: criteria provided, single submitter. Criteria: ACMG Guidelines, 2015. Collection method: clinical testing. Allele origin: germline. Inheritance: Autosomal dominant inheritance. Affected: yes. Observed: 1 heterozygote.
Comment: This sequence change replaces serine, which is neutral and polar, with leucine, which is neutral and non-polar, at codon 227 of the ATM protein (p.Ser227Leu). RNA analysis indicates that this missense change induces altered splicing and may result in an absent or disrupted protein product. This variant is present in population databases (gnomAD). This missense change has been observed in individual(s) with a personal and/or family history of breast and ovarian cancer, or prostate cancer (PMID: 31159747, 33436325). ClinVar contains an entry for this variant (Variation ID: 485170). In silico analysis supports that this missense variant does not alter protein structure/function . The available evidence is insufficient to determine the role of this variant in disease conclusively. Therefore, this variant is classified as a Variant of Uncertain Significance. Pathogenic/likely pathogenic mutations in the ATM gene cause susceptibility to breast cancer (OMIM 114480).

Quest Diagnostics Nichols Institute San Juan Capistrano
Classification: Uncertain significance. Last evaluated: 2024-04-12. Review status: criteria provided, single submitter. Criteria: Quest Diagnostics criteria. Collection method: clinical testing. Allele origin: unknown.

Blueprint Genetics
Classification: Uncertain significance. Last evaluated: 2024-03-22. Review status: criteria provided, single submitter. Criteria: ACMG Guidelines, 2015. Collection method: clinical testing. Allele origin: germline.

Color Diagnostics, LLC DBA Color Health
Classification: Uncertain significance for Hereditary cancer-predisposing syndrome. Last evaluated: 2023-02-06. Review status: criteria provided, single submitter. Criteria: ACMG Guidelines, 2015. Collection method: clinical testing. Allele origin: germline.
Comment: This missense variant replaces serine with leucine at codon 227 of the ATM protein. Computational prediction suggests that this variant may not impact protein structure and function (internally defined REVEL score threshold <= 0.5, PMID: 27666373). To our knowledge, functional studies have not been reported for this variant. This variant has been observed in individuals affected with breast cancer (Color Health internal data), prostate cancer (PMID: 33436325), glioblastoma multiforme (PMID: 26689913), as well as in an individual referred for hereditary cancer genetic testing (PMID: 31159747). This variant has been identified in 1/251126 chromosomes in the general population by the Genome Aggregation Database (gnomAD). The available evidence is insufficient to determine the role of this variant in disease conclusively. Therefore, this variant is classified as a Variant of Uncertain Significance.

GeneKor MSA
Classification: Uncertain significance for Hereditary cancer-predisposing syndrome. Last evaluated: 2018-08-01. Review status: criteria provided, single submitter. Criteria: ACMG Guidelines, 2015. Collection method: clinical testing. Allele origin: germline. Affected: yes.

Literature cited by the submitters: PubMed 31159747 (cited by 4 submitters); PubMed 33436325 (cited by 4 submitters); PubMed 40580951 (cited by Ambry Genetics); PubMed 26689913 (cited by Quest Diagnostics Nichols Institute San Juan Capistrano and Color Diagnostics, LLC DBA Color Health).